The following is an entry in ClinVar:

NM_020461.4(TUBGCP6):c.1771A>T (p.Ile591Phe)

Gene: TUBGCP6 (tubulin gamma complex component 6; minus strand). Cytogenetic location: 22q13.33.
Variant type: single nucleotide variant.
Coding change: c.1771A>T on transcript NM_020461.4 (MANE Select); coding-DNA position 1771, A replaced by T.
Protein change: p.Ile591Phe; replaces isoleucine 591 with phenylalanine.
Molecular consequence: missense variant.
Genome position (GRCh38, 1-based): chr22:50,226,112, T>A on the plus strand (A>T on the coding strand, the complement: TUBGCP6 is on the minus strand). VCF-style: chr22-50226112-T-A. GRCh37 (hg19) VCF-style: chr22-50664541-T-A.
Other names: short protein forms I591F.
Identifiers: ClinVar variation 2225128 (VCV002225128.2), dbSNP rs777024069, ClinGen allele CA10308522.

ClinVar aggregate classification (germline): Uncertain significance (1 of 4 stars; one submission).

Conditions:
Inborn genetic diseases. Identifiers: MedGen C0950123, MeSH D030342.

gnomAD v4.1: 39 of 1,614,046 alleles (0.0024%); highest among the groups gnomAD compares: Non-Finnish European, 0.0032%; no homozygotes.

Submission:

Ambry Genetics
Classification: Uncertain significance for Inborn genetic diseases. Last evaluated: 2021-01-29. Review status: criteria provided, single submitter. Criteria: Ambry Variant Classification Scheme 2023. Collection method: clinical testing. Allele origin: germline.
Comment: The c.1771A>T (p.I591F) alteration is located in exon 9 (coding exon 9) of the TUBGCP6 gene. This alteration results from a A to T substitution at nucleotide position 1771, causing the isoleucine (I) at amino acid position 591 to be replaced by a phenylalanine (F). The p.I591F alteration is predicted to be tolerated by in silico analysis. Based on insufficient or conflicting evidence, the clinical significance of this alteration remains unclear.